The following is an entry in ClinVar:

ClinVar aggregate classification (germline): Uncertain significance (1 of 4 stars; one submission).

Allele frequency attached by ClinVar (database versions not stated): gnomAD exomes 0.00001; ExAC 0.00002; TOPMed 0.00003.
gnomAD v4.1: 23 of 1,613,994 alleles (0.0014%); highest among the groups gnomAD compares: Non-Finnish European, 0.00017%; no homozygotes.

Submission:

Labcorp Genetics (formerly Invitae), Labcorp
Classification: Uncertain significance. Last evaluated: 2022-07-01. Review status: criteria provided, single submitter. Criteria: Invitae Variant Classification Sherloc (09022015). Collection method: clinical testing. Allele origin: germline.
Comment: In summary, the available evidence is currently insufficient to determine the role of this variant in disease. Therefore, it has been classified as a Variant of Uncertain Significance. Algorithms developed to predict the effect of missense changes on protein structure and function (SIFT, PolyPhen-2, Align-GVGD) all suggest that this variant is likely to be disruptive. This variant has not been reported in the literature in individuals affected with AP3B2-related conditions. This variant is present in population databases (rs750333792, gnomAD 0.06%). This sequence change replaces arginine, which is basic and polar, with cysteine, which is neutral and slightly polar, at codon 580 of the AP3B2 protein (p.Arg580Cys).

NM_001278512.2(AP3B2):c.1738C>T (p.Arg580Cys)

Genes: AP3B2 (adaptor related protein complex 3 subunit beta 2; minus strand), CPEB1-AS1 (CPEB1 antisense RNA 1; plus strand). Cytogenetic location: 15q25.2.
Variant type: single nucleotide variant.
Coding change: c.1738C>T on transcript NM_001278512.2 (MANE Select); coding-DNA position 1738, C replaced by T.
Protein change: p.Arg580Cys; replaces arginine 580 with cysteine.
Molecular consequence: missense variant.
Genome position (GRCh38, 1-based): chr15:82,666,861, G>A on the plus strand (C>T on the coding strand, the complement: AP3B2 is on the minus strand). VCF-style: chr15-82666861-G-A. GRCh37 (hg19) VCF-style: chr15-83335613-G-A.
Other names: c.1642C>T, p.Arg548Cys (NM_001278511.2); c.1738C>T, p.Arg580Cys (NM_004644.5); short protein forms R548C, R580C.
Identifiers: ClinVar variation 1983408 (VCV001983408.4), dbSNP rs750333792, ClinGen allele CA7700123.